The following is an entry in ClinVar:

NM_017802.4(DNAAF5):c.614C>T (p.Ser205Leu)

Gene: DNAAF5 (dynein axonemal assembly factor 5; plus strand). Cytogenetic location: 7p22.3.
Variant type: single nucleotide variant.
Coding change: c.614C>T on transcript NM_017802.4 (MANE Select); coding-DNA position 614, C replaced by T.
Protein change: p.Ser205Leu; replaces serine 205 with leucine.
Molecular consequence: missense variant.
Genome position (GRCh38, 1-based): chr7:729,681, C>T. VCF-style: chr7-729681-C-T. GRCh37 (hg19) VCF-style: chr7-769318-C-T.
Other names: short protein forms S205L.
Identifiers: ClinVar variation 1468185 (VCV001468185.5), dbSNP rs373565354, ClinGen allele CA4110381.

ClinVar aggregate classification (germline): Uncertain significance. Review status: criteria provided, multiple submitters, no conflicts (2 of 4 stars). 2 submissions from 2 submitters: Uncertain significance (2). Last evaluated 2022-08-31.

Conditions:
Primary ciliary dyskinesia. Also called: Ciliary dyskinesia. Identifiers: Orphanet 244, MedGen C0008780, MONDO:0016575, HP:0012265.

Allele frequency attached by ClinVar (database versions not stated): TOPMed below 0.00001; ExAC 0.00001; gnomAD 0.00001; gnomAD exomes 0.00001; ESP Exome Variant Server 0.00008.
gnomAD v4.1: 19 of 1,613,812 alleles (0.0012%); highest among the groups gnomAD compares: Admixed American, 0.0033%; no homozygotes.

Submissions (2):

Labcorp Genetics (formerly Invitae), Labcorp
Classification: Uncertain significance for Primary ciliary dyskinesia. Last evaluated: 2022-08-31. Review status: criteria provided, single submitter. Criteria: Invitae Variant Classification Sherloc (09022015). Collection method: clinical testing. Allele origin: germline.
Comment: In summary, the available evidence is currently insufficient to determine the role of this variant in disease. Therefore, it has been classified as a Variant of Uncertain Significance. Algorithms developed to predict the effect of missense changes on protein structure and function are either unavailable or do not agree on the potential impact of this missense change (SIFT: "Deleterious"; PolyPhen-2: "Probably Damaging"; Align-GVGD: "Class C0"). ClinVar contains an entry for this variant (Variation ID: 1468185). This variant has not been reported in the literature in individuals affected with DNAAF5-related conditions. This variant is present in population databases (rs373565354, gnomAD 0.006%). This sequence change replaces serine, which is neutral and polar, with leucine, which is neutral and non-polar, at codon 205 of the DNAAF5 protein (p.Ser205Leu).

Breakthrough Genomics
Classification: Uncertain significance. Review status: criteria provided, single submitter. Criteria: ACMG Guidelines, 2015. Collection method: not provided. Allele origin: germline. Inheritance: Autosomal recessive inheritance. Affected: yes.